The following is an entry in ClinVar:

NM_001291415.2(KDM6A):c.2123G>C (p.Gly708Ala)

Gene: KDM6A (lysine demethylase 6A; plus strand). Cytogenetic location: Xp11.3.
Variant type: single nucleotide variant.
Coding change: c.2123G>C on transcript NM_001291415.2 (MANE Select); coding-DNA position 2123, G replaced by C.
Protein change: p.Gly708Ala; replaces glycine 708 with alanine.
Molecular consequence: missense variant. On other transcripts: non-coding transcript variant (1).
Genome position (GRCh38, 1-based): chrX:45,069,622, G>C. VCF-style: chrX-45069622-G-C. GRCh37 (hg19) VCF-style: chrX-44928867-G-C.
Other names: c.1988G>C, p.Gly663Ala (NM_001291416.2, NM_001419811.1); c.1832G>C, p.Gly611Ala (NM_001291417.2); c.1730G>C, p.Gly577Ala (NM_001291418.2, NM_001419815.1); c.1079G>C, p.Gly360Ala (NM_001291421.2); c.1865G>C, p.Gly622Ala (NM_001410742.1, NM_001419814.1); c.2123G>C, p.Gly708Ala (NM_001419809.1); c.2021G>C, p.Gly674Ala (NM_001419810.1, NM_001419813.1); c.1967G>C, p.Gly656Ala (NM_001419812.1, NM_021140.4); short protein forms G360A, G577A, G611A, G622A, G656A, G663A, G674A, G708A.
Identifiers: ClinVar variation 3361229 (VCV003361229.2).

ClinVar aggregate classification (germline): Uncertain significance (1 of 4 stars; one submission).

Submission:

GeneDx
Classification: Uncertain significance. Last evaluated: 2025-06-28. Review status: criteria provided, single submitter. Criteria: GeneDx Variant Classification Process June 2021. Collection method: clinical testing. Allele origin: germline.
Comment: Not observed at significant frequency in large population cohorts (gnomAD); In silico analysis suggests that this missense variant does not alter protein structure/function; Has not been previously published as pathogenic or benign to our knowledge